The following is an entry in ClinVar:

NM_001003800.2(BICD2):c.2219C>T (p.Ala740Val)

Gene: BICD2 (BICD cargo adaptor 2; minus strand). Cytogenetic location: 9q22.31.
Variant type: single nucleotide variant.
Coding change: c.2219C>T on transcript NM_001003800.2 (MANE Select); coding-DNA position 2219, C replaced by T.
Protein change: p.Ala740Val; replaces alanine 740 with valine.
Molecular consequence: missense variant.
Genome position (GRCh38, 1-based): chr9:92,717,836, G>A on the plus strand (C>T on the coding strand, the complement: BICD2 is on the minus strand). VCF-style: chr9-92717836-G-A. GRCh37 (hg19) VCF-style: chr9-95480118-G-A.
Other names: c.2219C>T, p.Ala740Val (NM_015250.4); short protein forms A740V.
Identifiers: ClinVar variation 2093558 (VCV002093558.5), dbSNP rs2490440187, ClinGen allele CA374032427.

ClinVar aggregate classification (germline): Uncertain significance. Review status: criteria provided, multiple submitters, no conflicts (2 of 4 stars). 2 submissions from 2 submitters: Uncertain significance (2). Last evaluated 2026-03-17.

Conditions:
Autosomal dominant childhood-onset proximal spinal muscular atrophy with contractures (SMALED2A). Also called: Spinal muscular atrophy, lower extremity-predominant, 2A, autosomal dominant; SPINAL MUSCULAR ATROPHY, LOWER EXTREMITY-PREDOMINANT, 2A, CHILDHOOD ONSET, AUTOSOMAL DOMINANT. Identifiers: Orphanet 363447, Orphanet 363454, MedGen C4747715, MONDO:0014121, OMIM 615290.

Submissions (2):

Women's Health and Genetics/Laboratory Corporation of America, LabCorp
Classification: Uncertain significance. Last evaluated: 2026-03-17. Review status: criteria provided, single submitter. Criteria: LabCorp Variant Classification Summary - May 2015. Collection method: clinical testing. Allele origin: germline.
Comment: Variant summary: BICD2 c.2219C>T (p.Ala740Val) results in a non-conservative amino acid change in the encoded protein sequence. Algorithms developed to predict the effect of missense changes on protein structure and function are either unavailable or do not agree on the potential impact of this missense change. The variant was absent in 250848 control chromosomes. The available data on variant occurrences in the general population are insufficient to allow any conclusion about variant significance. To our knowledge, no occurrence of c.2219C>T in individuals affected with BICD2-related conditions and no experimental evidence demonstrating its impact on protein function have been reported. ClinVar contains an entry for this variant (Variation ID: 2093558). Based on the evidence outlined above, the variant was classified as uncertain significance.

Labcorp Genetics (formerly Invitae), Labcorp
Classification: Uncertain significance for Autosomal dominant childhood-onset proximal spinal muscular atrophy with contractures. Last evaluated: 2022-02-05. Review status: criteria provided, single submitter. Criteria: Invitae Variant Classification Sherloc (09022015). Collection method: clinical testing. Allele origin: germline.
Comment: In summary, the available evidence is currently insufficient to determine the role of this variant in disease. Therefore, it has been classified as a Variant of Uncertain Significance. Advanced modeling of protein sequence and biophysical properties (such as structural, functional, and spatial information, amino acid conservation, physicochemical variation, residue mobility, and thermodynamic stability) performed at Invitae indicates that this missense variant is expected to disrupt BICD2 protein function. This variant has not been reported in the literature in individuals affected with BICD2-related conditions. This variant is not present in population databases (gnomAD no frequency). This sequence change replaces alanine, which is neutral and non-polar, with valine, which is neutral and non-polar, at codon 740 of the BICD2 protein (p.Ala740Val).